The following is an entry in ClinVar:

NM_001042492.3(NF1):c.2193C>G (p.Leu731=)

Gene: NF1 (neurofibromin 1; plus strand). Cytogenetic location: 17q11.2.
Variant type: single nucleotide variant.
Coding change: c.2193C>G on transcript NM_001042492.3 (MANE Select); coding-DNA position 2193, C replaced by G.
Protein change: p.Leu731=; no amino-acid change (leucine 731 retained).
Molecular consequence: synonymous variant.
Genome position (GRCh38, 1-based): chr17:31,226,626, C>G. VCF-style: chr17-31226626-C-G. GRCh37 (hg19) VCF-style: chr17-29553644-C-G.
Other names: c.2193C>G, p.Leu731= (NM_000267.4).
Identifiers: ClinVar variation 1159282 (VCV001159282.9), dbSNP rs2151426038, ClinGen allele CA499443899.

ClinVar aggregate classification (germline): Benign/Likely benign. Review status: criteria provided, multiple submitters, no conflicts (2 of 4 stars). 3 submissions from 3 submitters: Benign (1); Likely benign (2). Last evaluated 2026-05-18.

Conditions:
Neurofibromatosis, type 1 (NF1). Also called: Peripheral type neurofibromatosis; NEUROFIBROMATOSIS, TYPE I, SOMATIC; VON RECKLINGHAUSEN DISEASE; Neurofibromatosis, type I. Identifiers: Orphanet 636, MedGen C0027831, MONDO:0018975, OMIM 162200. Disease mechanism: loss of function.
Cardiovascular phenotype. Identifiers: MedGen CN230736.
Hereditary cancer-predisposing syndrome. Also called: Neoplastic Syndromes, Hereditary; Tumor predisposition; Hereditary Cancer Syndrome; Hereditary neoplastic syndrome. Identifiers: Orphanet 140162, MedGen C0027672, MeSH D009386, MONDO:0015356.

gnomAD v4.1: 1 of 1,613,886 alleles (0.000062%); highest among the groups gnomAD compares: Non-Finnish European, 0.000085%; no homozygotes.

Submissions (3):

Myriad Genetics, Inc.
Classification: Benign for Neurofibromatosis, type 1. Last evaluated: 2026-05-18. Review status: criteria provided, single submitter. Criteria: Myriad Autosomal Dominant, Autosomal Recessive and X-Linked Classification Criteria (2023). Collection method: clinical testing. Allele origin: unknown.
Comment: This variant is considered benign. This variant is a silent/synonymous amino acid change and it is not expected to impact splicing.

Ambry Genetics
Classification: Likely benign for Cardiovascular phenotype; Hereditary cancer-predisposing syndrome. Last evaluated: 2026-04-20. Review status: criteria provided, single submitter. Criteria: Ambry Variant Classification Scheme 2023. Collection method: clinical testing. Allele origin: germline.

Labcorp Genetics (formerly Invitae), Labcorp
Classification: Likely benign for Neurofibromatosis, type 1. Last evaluated: 2022-11-27. Review status: criteria provided, single submitter. Criteria: Invitae Variant Classification Sherloc (09022015). Collection method: clinical testing. Allele origin: germline.